The following is an entry in ClinVar:

ClinVar aggregate classification (germline): Uncertain significance (1 of 4 stars; one submission).

Conditions:
Charcot-Marie-Tooth disease axonal type 2F (CMT2F). Also called: CHARCOT-MARIE-TOOTH DISEASE, NEURONAL, TYPE 2F; Charcot-Marie-Tooth Neuropathy Type 2F. Identifiers: Orphanet 99940, MedGen C1847823, MONDO:0011687, OMIM 606595.

Submission:

Labcorp Genetics (formerly Invitae), Labcorp
Classification: Uncertain significance for Charcot-Marie-Tooth disease axonal type 2F. Last evaluated: 2022-04-22. Review status: criteria provided, single submitter. Criteria: Invitae Variant Classification Sherloc (09022015). Collection method: clinical testing. Allele origin: germline.
Comment: This variant has not been reported in the literature in individuals affected with HSPB1-related conditions. In summary, the available evidence is currently insufficient to determine the role of this variant in disease. Therefore, it has been classified as a Variant of Uncertain Significance. Advanced modeling of protein sequence and biophysical properties (such as structural, functional, and spatial information, amino acid conservation, physicochemical variation, residue mobility, and thermodynamic stability) performed at Invitae indicates that this missense variant is not expected to disrupt HSPB1 protein function. This variant is not present in population databases (gnomAD no frequency). This sequence change replaces methionine, which is neutral and non-polar, with isoleucine, which is neutral and non-polar, at codon 169 of the HSPB1 protein (p.Met169Ile).

NM_001540.5(HSPB1):c.507G>A (p.Met169Ile)

Gene: HSPB1 (heat shock protein family B (small) member 1; plus strand). Cytogenetic location: 7q11.23.
Variant type: single nucleotide variant.
Coding change: c.507G>A on transcript NM_001540.5 (MANE Select); coding-DNA position 507, G replaced by A.
Protein change: p.Met169Ile; replaces methionine 169 with isoleucine.
Molecular consequence: missense variant.
Genome position (GRCh38, 1-based): chr7:76,304,062, G>A. VCF-style: chr7-76304062-G-A. GRCh37 (hg19) VCF-style: chr7-75933379-G-A.
Other names: short protein forms M169I.
Identifiers: ClinVar variation 2185299 (VCV002185299.4), dbSNP rs2536151868, ClinGen allele CA367766074.